The following is an entry in ClinVar:

ClinVar aggregate classification (germline): Uncertain significance. Review status: criteria provided, multiple submitters, no conflicts (2 of 4 stars). 2 submissions from 2 submitters: Uncertain significance (2). Last evaluated 2026-08-19.

Conditions:
Inborn genetic diseases. Identifiers: MedGen C0950123, MeSH D030342.
Acute myeloid leukemia (AML). Also called: Acute myeloid leukemia, adult; AML adult; Acute non-lymphocytic leukemia; Acute granulocytic leukemia; Leukemia, acute myelogenous, somatic; Leukemia, acute myeloid, somatic. Identifiers: Orphanet 519, MedGen C0023467, MeSH D015470, MONDO:0018874, OMIM 601626, HP:0004808. Disease mechanism: Constitutively activated FLT3.

Submissions (2):

Ambry Genetics
Classification: Uncertain significance for Inborn genetic diseases. Last evaluated: 2026-08-19. Review status: criteria provided, single submitter. Criteria: Ambry Variant Classification Scheme 2023. Collection method: clinical testing. Allele origin: germline.
Comment: The c.982_985delGTGG variant, located in coding exon 1 of the CEBPA gene, results from a deletion of 4 nucleotides at nucleotide positions 982 to 985, causing a translational frameshift with a predicted alternate stop codon (p.V328Nfs*3). Premature termination codons are typically deleterious in nature; however, because CEBPA is a single-exon gene, this alteration is not expected to trigger nonsense-mediated mRNA decay, and an altered protein could still be expressed (Maquat LE. Nat Rev Mol Cell Biol, 2004 Feb;5:89-99). This alteration impacts the last 8.6% of the protein. This shortened protein is unlikely to be functional. However, loss of function of CEBPA has not been established as a mechanism of disease. Based on the available evidence, the clinical significance of this variant remains unclear.

Labcorp Genetics (formerly Invitae), Labcorp
Classification: Uncertain significance for Acute myeloid leukemia. Last evaluated: 2020-03-03. Review status: criteria provided, single submitter. Criteria: Invitae Variant Classification Sherloc (09022015). Collection method: clinical testing. Allele origin: germline.
Comment: In summary, the available evidence is currently insufficient to determine the role of this variant in disease. Therefore, it has been classified as a Variant of Uncertain Significance. This variant has not been reported in the literature in individuals with CEBPA-related conditions. This variant is not present in population databases (ExAC no frequency). This sequence change results in a premature translational stop signal in the CEBPA gene (p.Val328Asnfs*3). While this is not anticipated to result in nonsense mediated decay, it is expected to disrupt the last 31 amino acids of the CEBPA protein.

NM_004364.5(CEBPA):c.982_985del (p.Val328fs)

Gene: CEBPA (CCAAT enhancer binding protein alpha; minus strand). Cytogenetic location: 19q13.11.
Variant type: Deletion.
Coding change: c.982_985del on transcript NM_004364.5 (MANE Select); coding-DNA positions 982 to 985, 4 bases deleted (GTGG; older notation c.982_985delGTGG).
Protein change: p.Val328fs; shifts the reading frame from valine 328.
Molecular consequence: frameshift variant.
Genome position (GRCh38, 1-based): chr19:33,301,430-33,301,433, CCAC deleted on the plus strand (GTGG on the coding strand, the reverse complement: CEBPA is on the minus strand); deleting any 4 consecutive bases within chr19:33,301,430-33,301,435 gives the same sequence; the c. name uses the placement nearest the transcript's 3' end. VCF-style (leftmost placement, unchanged base first): chr19-33301429-TCCAC-T. GRCh37 (hg19) VCF-style: chr19-33792335-TCCAC-T.
Other names: c.625_628del, p.Val209fs (NM_001285829.2); c.1087_1090del, p.Val363fs (NM_001287424.2); c.940_943del, p.Val314fs (NM_001287435.2); c.982_985delGTGG (NM_004364.3); short protein forms V328fs, V314fs, V363fs, V209fs.
Identifiers: ClinVar variation 1038461 (VCV001038461.9), dbSNP rs1967160131, ClinGen allele CA2332659959.